The following is an entry in ClinVar:

NC_000003.11:g.(?_180364847)_(180381794_?)del

Gene: CCDC39 (coiled-coil domain 39 molecular ruler complex subunit; minus strand). Cytogenetic location: 3q26.33.
Variant type: Deletion.
Identifiers: ClinVar variation 3246790 (VCV003246790.1).

ClinVar aggregate classification (germline): Pathogenic (1 of 4 stars; one submission).

Conditions:
Primary ciliary dyskinesia. Also called: Ciliary dyskinesia. Identifiers: Orphanet 244, MedGen C0008780, MONDO:0016575, HP:0012265.

Submission:

Labcorp Genetics (formerly Invitae), Labcorp
Classification: Pathogenic for Primary ciliary dyskinesia. Last evaluated: 2023-03-02. Review status: criteria provided, single submitter. Criteria: Invitae Variant Classification Sherloc (09022015). Collection method: clinical testing. Allele origin: unknown.
Comment: For these reasons, this variant has been classified as Pathogenic. This variant disrupts a region of the CCDC39 protein in which other variant(s) (p.Lys118del) have been determined to be pathogenic (Invitae). This suggests that this is a clinically significant region of the protein, and that variants that disrupt it are likely to be disease-causing. This variant has not been reported in the literature in individuals affected with CCDC39-related conditions. This variant is a gross deletion of the genomic region encompassing exon(s) 2-11 of the CCDC39 gene. This variant would be expected to be in-frame, preserving the integrity of the reading frame.